The following is an entry in ClinVar:

NM_006070.6(TFG):c.309A>G (p.Lys103=)

Gene: TFG (trafficking from ER to golgi regulator; plus strand). Cytogenetic location: 3q12.2.
Variant type: single nucleotide variant.
Coding change: c.309A>G on transcript NM_006070.6 (MANE Select); coding-DNA position 309, A replaced by G.
Protein change: p.Lys103=; no amino-acid change (lysine 103 retained).
Molecular consequence: synonymous variant.
Genome position (GRCh38, 1-based): chr3:100,728,752, A>G. VCF-style: chr3-100728752-A-G. GRCh37 (hg19) VCF-style: chr3-100447596-A-G.
Other names: c.309A>G, p.Lys103= (NM_001007565.2, NM_001195478.2, NM_001195479.2).
Identifiers: ClinVar variation 534747 (VCV000534747.9), dbSNP rs369508900, ClinGen allele CA2517045.
Genomic context (GRCh38, chr3:100,728,752, plus strand): 5'-AATAAATGTTTTTATTTCAGTTAATGGCCAGCCAAGACCCCTTGAATCAAGTCAGGTGAA[A>G]TATCTCCGTCGAGAACTGATAGAACTTCGAAATAAAGTGAATCGTTTATTGGATAGCTTG-3'
Protein context (NP_006061.2, residues 93-113): QPRPLESSQV[Lys103=]YLRRELIELR

ClinVar aggregate classification (germline): Likely benign. Review status: criteria provided, multiple submitters, no conflicts (2 of 4 stars). 2 submissions from 2 submitters: Likely benign (2). Last evaluated 2026-05-11.

Conditions:
TFG-related disorder. Also called: TFG-related disorders; TFG-related condition.
Hereditary motor and sensory neuropathy, Okinawa type (HMSNO). Also called: HEREDITARY MOTOR AND SENSORY NEUROPATHY, PROXIMAL TYPE. Identifiers: Orphanet 90117, MedGen C1858338, MONDO:0011468, OMIM 604484.
Hereditary spastic paraplegia 57. Also called: Spastic paraplegia 57, autosomal recessive. Identifiers: Orphanet 431329, MedGen C3714897, MONDO:0014295, OMIM 615658.

Allele frequency attached by ClinVar (database versions not stated): gnomAD 0.00001; gnomAD exomes 0.00001 and 0.00003; ExAC 0.00002; TOPMed 0.00002; ESP Exome Variant Server 0.00008.
gnomAD v4.1: 43 of 1,612,444 alleles (0.0027%); highest among the groups gnomAD compares: Non-Finnish European, 0.0034%; 1 homozygote.

Submissions (2):

PreventionGenetics, part of Exact Sciences
Classification: Likely benign for TFG-related condition. Last evaluated: 2026-05-11. Review status: criteria provided, single submitter. Criteria: ACMG Guidelines, 2015. Collection method: clinical testing. Allele origin: germline.
Comment: This variant is classified as likely benign based on ACMG/AMP sequence variant interpretation guidelines (Richards et al. 2015 PMID: 25741868, with internal and published modifications).

Labcorp Genetics (formerly Invitae), Labcorp
Classification: Likely benign for Hereditary motor and sensory neuropathy, Okinawa type; Hereditary spastic paraplegia 57. Last evaluated: 2025-02-02. Review status: criteria provided, single submitter. Criteria: Invitae Variant Classification Sherloc (09022015). Collection method: clinical testing. Allele origin: germline.